The following is an entry in ClinVar:

ClinVar aggregate classification (germline): Uncertain significance (1 of 4 stars; one submission).

Conditions:
EPILEPSY, CHILDHOOD ABSENCE, SUSCEPTIBILITY TO, 2 (ECA2). Identifiers: Orphanet 64280, MedGen C1843244, OMIM 607681.
Febrile seizures, familial, 8 (FEB8). Also called: CONVULSIONS, FAMILIAL FEBRILE, 8. Identifiers: Orphanet 36387, MedGen C1969810, MONDO:0011891, OMIM 607681.

Submission:

Labcorp Genetics (formerly Invitae), Labcorp
Classification: Uncertain significance for Febrile seizures, familial, 8; EPILEPSY, CHILDHOOD ABSENCE, SUSCEPTIBILITY TO, 2. Last evaluated: 2021-10-27. Review status: criteria provided, single submitter. Criteria: Invitae Variant Classification Sherloc (09022015). Collection method: clinical testing. Allele origin: germline.
Comment: This variant is not present in population databases (gnomAD no frequency). In summary, the available evidence is currently insufficient to determine the role of this variant in disease. Therefore, it has been classified as a Variant of Uncertain Significance. Advanced modeling of protein sequence and biophysical properties (such as structural, functional, and spatial information, amino acid conservation, physicochemical variation, residue mobility, and thermodynamic stability) performed at Invitae indicates that this missense variant is expected to disrupt GABRG2 protein function. This variant has not been reported in the literature in individuals affected with GABRG2-related conditions. This sequence change replaces leucine, which is neutral and non-polar, with methionine, which is neutral and non-polar, at codon 313 of the GABRG2 protein (p.Leu313Met).

NM_198904.4(GABRG2):c.937C>A (p.Leu313Met)

Gene: GABRG2 (gamma-aminobutyric acid type A receptor subunit gamma2; plus strand). Cytogenetic location: 5q34.
Variant type: single nucleotide variant.
Coding change: c.937C>A on transcript NM_198904.4 (MANE Select); coding-DNA position 937, C replaced by A.
Protein change: p.Leu313Met; replaces leucine 313 with methionine.
Molecular consequence: missense variant. On other transcripts: intron variant (1).
Genome position (GRCh38, 1-based): chr5:162,149,122, C>A. VCF-style: chr5-162149122-C-A. GRCh37 (hg19) VCF-style: chr5-161576128-C-A.
Other names: c.937C>A, p.Leu313Met (NM_000816.3); c.928C>A, p.Leu310Met (NM_001375339.1); c.934C>A, p.Leu312Met (NM_001375341.1, NM_001375342.1); c.1057C>A, p.Leu353Met (NM_001375343.1, NM_198903.2); c.976C>A, p.Leu326Met (NM_001375344.1); c.871C>A, p.Leu291Met (NM_001375345.1, NM_001375346.1); c.850C>A, p.Leu284Met (NM_001375347.1); c.517C>A, p.Leu173Met (NM_001375348.1, NM_001375350.1); and 2 more; short protein forms L218M, L284M, L310M, L313M, L326M, L312M, L353M, L173M.
Identifiers: ClinVar variation 1347728 (VCV001347728.6), dbSNP rs2113632536, ClinGen allele CA362182323.